The following is an entry in ClinVar:

ClinVar aggregate classification (germline): Uncertain significance (1 of 4 stars; one submission).

Conditions:
Familial cold autoinflammatory syndrome 2 (FCAS2). Identifiers: Orphanet 247868, MedGen C2673198, MONDO:0012724, OMIM 611762.

Allele frequency attached by ClinVar (database versions not stated): TOPMed below 0.00001; gnomAD 0.00001.
gnomAD v4.1: 1 of 1,614,038 alleles (0.000062%); highest among the groups gnomAD compares: African/African-American, 0.0013%; no homozygotes.

Submission:

Labcorp Genetics (formerly Invitae), Labcorp
Classification: Uncertain significance for Familial cold autoinflammatory syndrome 2. Last evaluated: 2023-10-05. Review status: criteria provided, single submitter. Criteria: Invitae Variant Classification Sherloc (09022015). Collection method: clinical testing. Allele origin: germline.
Comment: This sequence change replaces leucine, which is neutral and non-polar, with valine, which is neutral and non-polar, at codon 994 of the NLRP12 protein (p.Leu994Val). This variant is not present in population databases (gnomAD no frequency). This variant has not been reported in the literature in individuals affected with NLRP12-related conditions. Experimental studies and prediction algorithms are not available or were not evaluated, and the functional significance of this variant is currently unknown. In summary, the available evidence is currently insufficient to determine the role of this variant in disease. Therefore, it has been classified as a Variant of Uncertain Significance.

NM_144687.4(NLRP12):c.2980C>G (p.Leu994Val)

Gene: NLRP12 (NLR family pyrin domain containing 12; minus strand). Cytogenetic location: 19q13.42.
Variant type: single nucleotide variant.
Coding change: c.2980C>G on transcript NM_144687.4 (MANE Select); coding-DNA position 2980, C replaced by G.
Protein change: p.Leu994Val; replaces leucine 994 with valine.
Molecular consequence: missense variant.
Genome position (GRCh38, 1-based): chr19:53,795,977, G>C on the plus strand (C>G on the coding strand, the complement: NLRP12 is on the minus strand). VCF-style: chr19-53795977-G-C. GRCh37 (hg19) VCF-style: chr19-54299231-G-C.
Other names: c.2983C>G, p.Leu995Val (NM_001277126.2); c.2809C>G, p.Leu937Val (NM_001277129.1); short protein forms L937V, L994V, L995V.
Identifiers: ClinVar variation 2980367 (VCV002980367.3), dbSNP rs1369763318, ClinGen allele CA407407568.